The following is an entry in ClinVar:

ClinVar aggregate classification (germline): Uncertain significance (1 of 4 stars; one submission).

Conditions:
Baller-Gerold syndrome (BGS). Also called: CRANIOSYNOSTOSIS WITH RADIAL DEFECTS. Identifiers: Orphanet 1225, MedGen C0265308, MONDO:0009039, OMIM 218600.

Submission:

Labcorp Genetics (formerly Invitae), Labcorp
Classification: Uncertain significance for Baller-Gerold syndrome. Last evaluated: 2020-09-24. Review status: criteria provided, single submitter. Criteria: Invitae Variant Classification Sherloc (09022015). Collection method: clinical testing. Allele origin: germline.
Comment: In summary, the available evidence is currently insufficient to determine the role of this variant in disease. Therefore, it has been classified as a Variant of Uncertain Significance. Experimental studies and prediction algorithms are not available or were not evaluated, and the functional significance of this variant is currently unknown. This variant has not been reported in the literature in individuals with RECQL4-related conditions. This variant is not present in population databases (ExAC no frequency). This sequence change replaces leucine with alanine at codon 518 of the RECQL4 protein (p.Leu518Ala). The leucine residue is highly conserved and there is a moderate physicochemical difference between leucine and alanine.

NM_004260.4(RECQL4):c.1552_1553delinsGC (p.Leu518Ala)

Gene: RECQL4 (RecQ like helicase 4; minus strand). Cytogenetic location: 8q24.3.
Variant type: Indel.
Coding change: c.1552_1553delinsGC on transcript NM_004260.4 (MANE Select); coding-DNA positions 1552 to 1553, CT replaced by GC.
Protein change: p.Leu518Ala; replaces leucine 518 with alanine.
Molecular consequence: missense variant.
Genome position (GRCh38, 1-based): chr8:144,515,003-144,515,004, AG replaced by GC on the plus strand (CT replaced by GC on the coding strand, the reverse complement: RECQL4 is on the minus strand). VCF-style: chr8-144515003-AG-GC. GRCh37 (hg19) VCF-style: chr8-145740387-AG-GC.
Other names: short protein forms L518A.
Identifiers: ClinVar variation 1045860 (VCV001045860.3), dbSNP rs1827944394, ClinGen allele CA1826368001.